The following is an entry in ClinVar:

NM_005732.4(RAD50):c.3032A>G (p.Gln1011Arg)

Gene: RAD50 (RAD50 double strand break repair protein; plus strand). Cytogenetic location: 5q31.1.
Variant type: single nucleotide variant.
Coding change: c.3032A>G on transcript NM_005732.4 (MANE Select); coding-DNA position 3032, A replaced by G.
Protein change: p.Gln1011Arg; replaces glutamine 1011 with arginine.
Molecular consequence: missense variant.
Genome position (GRCh38, 1-based): chr5:132,609,392, A>G. VCF-style: chr5-132609392-A-G. GRCh37 (hg19) VCF-style: chr5-131945084-A-G.
Other names: c.3032A>G (NM_005732.3); short protein forms Q1011R.
Identifiers: ClinVar variation 2091941 (VCV002091941.5), dbSNP rs2479371851, ClinGen allele CA360961107.

ClinVar aggregate classification (germline): Uncertain significance. Review status: criteria provided, multiple submitters, no conflicts (2 of 4 stars). 2 submissions from 2 submitters: Uncertain significance (2). Last evaluated 2025-05-11.

Conditions:
Hereditary cancer-predisposing syndrome. Also called: Tumor predisposition; Hereditary Cancer Syndrome; Hereditary neoplastic syndrome; Neoplastic Syndromes, Hereditary. Identifiers: Orphanet 140162, MedGen C0027672, MeSH D009386, MONDO:0015356.

Submissions (2):

Ambry Genetics
Classification: Uncertain significance for Hereditary cancer-predisposing syndrome. Last evaluated: 2025-05-11. Review status: criteria provided, single submitter. Criteria: Ambry Variant Classification Scheme 2023. Collection method: clinical testing. Allele origin: germline.
Comment: The p.Q1011R variant (also known as c.3032A>G), located in coding exon 19 of the RAD50 gene, results from an A to G substitution at nucleotide position 3032. The glutamine at codon 1011 is replaced by arginine, an amino acid with highly similar properties. This amino acid position is conserved. In addition, this alteration is predicted to be deleterious by in silico analysis. Based on the available evidence, the clinical significance of this variant remains unclear.

Labcorp Genetics (formerly Invitae), Labcorp
Classification: Uncertain significance for Hereditary cancer-predisposing syndrome. Last evaluated: 2022-02-02. Review status: criteria provided, single submitter. Criteria: Invitae Variant Classification Sherloc (09022015). Collection method: clinical testing. Allele origin: germline.
Comment: Algorithms developed to predict the effect of missense changes on protein structure and function (SIFT, PolyPhen-2, Align-GVGD) all suggest that this variant is likely to be tolerated. This variant has not been reported in the literature in individuals affected with RAD50-related conditions. This variant is not present in population databases (gnomAD no frequency). This sequence change replaces glutamine, which is neutral and polar, with arginine, which is basic and polar, at codon 1011 of the RAD50 protein (p.Gln1011Arg). In summary, the available evidence is currently insufficient to determine the role of this variant in disease. Therefore, it has been classified as a Variant of Uncertain Significance.